The following is an entry in ClinVar:

NC_000003.12:g.169764898C>T

Genes: TERC (telomerase RNA component; minus strand), LOC110806306 (telomerase RNA component (TERC) promoter; plus strand). Cytogenetic location: 3q26.2.
Variant type: single nucleotide variant.
Genome position: GRCh38 VCF-style: chr3-169764898-C-T. GRCh37 (hg19) VCF-style: chr3-169482686-C-T.
Identifiers: ClinVar variation 1366756 (VCV001366756.6), dbSNP rs758748876, ClinGen allele CA2696815.
Genomic context (GRCh38, chr3:169,764,898, plus strand): 5'-GACCCGCCGCAGGTCCCCGGGAGGGGCGAACGGGCCAGCAGCTGACATTTTTTGTTTGCT[C>T]TAGAATGAACGGTGGAAGGCGGCAGGCCGAGGCTTTTCCGCCCGCTGAAAGTCAGCGAGA-3'

ClinVar aggregate classification (germline): Uncertain significance (1 of 4 stars; one submission).

Conditions:
Dyskeratosis congenita, autosomal dominant 1 (DKCA1). Also called: Dyskeratosis congenita Scoggins type. Identifiers: Orphanet 1775, MedGen C4551974, MONDO:0007485, OMIM 127550. Inheritance: Variable.

Allele frequency attached by ClinVar (database versions not stated): ExAC 0.00001.
gnomAD v4.1: 1 of 764,814 alleles (0.00013%); highest among the groups gnomAD compares: South Asian, 0.0013%; no homozygotes.

Submission:

Labcorp Genetics (formerly Invitae), Labcorp
Classification: Uncertain significance for Dyskeratosis congenita, autosomal dominant 1. Last evaluated: 2021-07-12. Review status: criteria provided, single submitter. Criteria: Invitae Variant Classification Sherloc (09022015). Collection method: clinical testing. Allele origin: germline.
Comment: This variant occurs in the TERC gene, which encodes an RNA molecule that does not result in a protein product. This variant is present in population databases (rs758748876, ExAC 0.007%). This variant is located in a region of TERC in which a significant number of disease causing variants has been reported (PMID: 15082312, 21844345, 21931702). These observations suggest that this may be a clinically significant region. This variant is located within the template/pseudoknot domain of the TERC RNA component, which is required for RNA or RNP stability (PMID: 15082312, 21844345). In summary, the available evidence is currently insufficient to determine the role of this variant in disease. Therefore, it has been classified as a Variant of Uncertain Significance. This variant has not been reported in the literature in individuals affected with TERC-related conditions.

Literature cited by the submitters: PubMed 15082312; PubMed 21844345; PubMed 21931702.